The following is an entry in ClinVar:

ClinVar aggregate classification (germline): Conflicting classifications of pathogenicity. Review status: criteria provided, conflicting classifications (1 of 4 stars). 2 submissions from 2 submitters: Uncertain significance (1); Likely benign (1). Last evaluated 2024-09-20.

Conditions:
Alagille syndrome due to a NOTCH2 point mutation. Also called: Alagille syndrome 2. Identifiers: Orphanet 261629, Orphanet 52, MedGen C1857761, MONDO:0012439, OMIM 610205.
Hajdu-Cheney syndrome (HJCYS). Also called: Acroosteolysis dominant type; ACROOSTEOLYSIS WITH OSTEOPOROSIS AND CHANGES IN SKULL AND MANDIBLE; SERPENTINE FIBULA-POLYCYSTIC KIDNEY SYNDROME. Identifiers: Orphanet 955, MedGen C0917715, MONDO:0007057, OMIM 102500.

Submissions (2):

3billion
Classification: Likely benign for Hajdu-Cheney syndrome; Alagille syndrome due to a NOTCH2 point mutation. Last evaluated: 2024-09-20. Review status: criteria provided, single submitter. Criteria: ACMG Guidelines, 2015. Collection method: clinical testing. Allele origin: germline. Affected: no.
Comment: The variant was identified in at least one patient who was diagnosed with a different variant in another gene and showed no symptoms related to the gene containing the variant in question.

Eurofins Ntd Llc (ga)
Classification: Uncertain significance. Last evaluated: 2017-05-18. Review status: criteria provided, single submitter. Criteria: EGL Classification Definitions 2015. Collection method: clinical testing. Allele origin: germline. Observed: 2 variant alleles, 2 heterozygotes.

NM_024408.4(NOTCH2):c.6496T>C (p.Ser2166Pro)

Gene: NOTCH2 (notch receptor 2; minus strand). Cytogenetic location: 1p12.
Variant type: single nucleotide variant.
Coding change: c.6496T>C on transcript NM_024408.4 (MANE Select); coding-DNA position 6496, T replaced by C.
Protein change: p.Ser2166Pro; replaces serine 2166 with proline.
Molecular consequence: missense variant.
Genome position (GRCh38, 1-based): chr1:119,916,226, A>G on the plus strand (T>C on the coding strand, the complement: NOTCH2 is on the minus strand). VCF-style: chr1-119916226-A-G. GRCh37 (hg19) VCF-style: chr1-120458849-A-G.
Other names: short protein forms S2166P.
Identifiers: ClinVar variation 284332 (VCV000284332.6), dbSNP rs886042848, ClinGen allele CA10604764.
Genomic context (GRCh38, chr1:119,916,226, plus strand): 5'-TGGCCAACATAGGGTTGGGTGAGGCCTGTAAGATCCCAGGGGATGTAATCATTGGAGAGG[A>G]TGTGGTGTCGGAAACATACGTGTGAGGAGATTCTAGGGAATCAACAGGGGATAAAGTTAC-3'
Protein context (NP_077719.2, residues 2156-2176): SPHTYVSDTT[Ser2166Pro]SPMITSPGIL